The following is an entry in ClinVar:

ClinVar aggregate classification (germline): Uncertain significance (1 of 4 stars; one submission).

Conditions:
RYR1-related disorder. Also called: RYR1-related condition; RYR1-related disorders. Identifiers: MedGen CN239331.

Submission:

Labcorp Genetics (formerly Invitae), Labcorp
Classification: Uncertain significance for RYR1-related disorder. Last evaluated: 2022-01-21. Review status: criteria provided, single submitter. Criteria: Invitae Variant Classification Sherloc (09022015). Collection method: clinical testing. Allele origin: germline.
Comment: This variant is not present in population databases (gnomAD no frequency). In summary, the available evidence is currently insufficient to determine the role of this variant in disease. Therefore, it has been classified as a Variant of Uncertain Significance. Advanced modeling of protein sequence and biophysical properties (such as structural, functional, and spatial information, amino acid conservation, physicochemical variation, residue mobility, and thermodynamic stability) performed at Invitae indicates that this missense variant is not expected to disrupt RYR1 protein function. This variant has not been reported in the literature in individuals affected with RYR1-related conditions. This sequence change replaces alanine, which is neutral and non-polar, with proline, which is neutral and non-polar, at codon 3586 of the RYR1 protein (p.Ala3586Pro).

NM_000540.3(RYR1):c.10756G>C (p.Ala3586Pro)

Gene: RYR1 (ryanodine receptor 1; plus strand). Cytogenetic location: 19q13.2.
Variant type: single nucleotide variant.
Coding change: c.10756G>C on transcript NM_000540.3 (MANE Select); coding-DNA position 10756, G replaced by C.
Protein change: p.Ala3586Pro; replaces alanine 3586 with proline.
Molecular consequence: missense variant.
Genome position (GRCh38, 1-based): chr19:38,527,716, G>C. VCF-style: chr19-38527716-G-C. GRCh37 (hg19) VCF-style: chr19-39018356-G-C.
Other names: c.10741G>C, p.Ala3581Pro (NM_001042723.2); short protein forms A3581P, A3586P.
Identifiers: ClinVar variation 2074141 (VCV002074141.4), dbSNP rs1971531803, ClinGen allele CA405646894.